The following is an entry in ClinVar:

NM_052947.4(ALPK2):c.4538T>C (p.Ile1513Thr)

Genes: ALPK2 (alpha kinase 2; minus strand), LOC126862764 (BRD4-independent group 4 enhancer GRCh37_chr18:56202574-56203773; plus strand). Cytogenetic location: 18q21.31.
Variant type: single nucleotide variant.
Coding change: c.4538T>C on transcript NM_052947.4 (MANE Select); coding-DNA position 4538, T replaced by C.
Protein change: p.Ile1513Thr; replaces isoleucine 1513 with threonine.
Molecular consequence: missense variant.
Genome position (GRCh38, 1-based): chr18:58,535,649, A>G on the plus strand (T>C on the coding strand, the complement: ALPK2 is on the minus strand). VCF-style: chr18-58535649-A-G. GRCh37 (hg19) VCF-style: chr18-56202881-A-G.
Other names: short protein forms I1513T.
Identifiers: ClinVar variation 1741309 (VCV001741309.2), dbSNP rs2518874571, ClinGen allele CA402561644.
Genomic context (GRCh38, chr18:58,535,649, plus strand): 5'-TCTGCTTTGTCCTTTTTGCTTTGCTCAGCCTCCCCTAAGCTCCCATCACTGCTTTCTTGT[A>G]TTTGGCCTATGCTACATCCACTTGGAATTCTTTCACCGCCTTCGCTGGGTTGCAGGACTT-3'
Protein context (NP_443179.3, residues 1503-1523): RIPSGCSIGQ[Ile1513Thr]QESSDGSLGE

ClinVar aggregate classification (germline): Uncertain significance (1 of 4 stars; one submission).

Submission:

Ambry Genetics
Classification: Uncertain significance. Last evaluated: 2022-06-28. Review status: criteria provided, single submitter. Criteria: Ambry Variant Classification Scheme 2023. Collection method: clinical testing. Allele origin: germline.
Comment: The p.I1513T variant (also known as c.4538T>C), located in coding exon 4 of the ALPK2 gene, results from a T to C substitution at nucleotide position 4538. The isoleucine at codon 1513 is replaced by threonine, an amino acid with similar properties. This amino acid position is conserved. In addition, this alteration is predicted to be tolerated by in silico analysis. Since supporting evidence is limited at this time, the clinical significance of this alteration remains unclear.